The following is an entry in ClinVar:

ClinVar aggregate classification (germline): Uncertain significance. Review status: criteria provided, multiple submitters, no conflicts (2 of 4 stars). 2 submissions from 2 submitters: Uncertain significance (2). Last evaluated 2024-02-24.

Conditions:
Inborn genetic diseases. Identifiers: MedGen C0950123, MeSH D030342.
Intellectual disability, autosomal recessive 42 (NEDDSBA). Also called: Neurodevelopmental disorder with dysmorphic features, spasticity, and brain abnormalities; GLYCOSYLPHOSPHATIDYLINOSITOL BIOSYNTHESIS DEFECT 9. Identifiers: Orphanet 88616, MedGen C4014343, MONDO:0014348, OMIM 615802.

Allele frequency attached by ClinVar (database versions not stated): gnomAD exomes 0.00001; TOPMed 0.00003; gnomAD 0.00004.
gnomAD v4.1: 17 of 1,508,626 alleles (0.0011%); highest among the groups gnomAD compares: Admixed American, 0.032%; no homozygotes.

Submissions (2):

Labcorp Genetics (formerly Invitae), Labcorp
Classification: Uncertain significance for Intellectual disability, autosomal recessive 42. Last evaluated: 2024-02-24. Review status: criteria provided, single submitter. Criteria: Invitae Variant Classification Sherloc (09022015). Collection method: clinical testing. Allele origin: germline.
Comment: This sequence change replaces lysine, which is basic and polar, with isoleucine, which is neutral and non-polar, at codon 846 of the PGAP1 protein (p.Lys846Ile). This variant is present in population databases (no rsID available, gnomAD 0.02%). This missense change has been observed in individual(s) with clinical features of PGAP1-related conditions (Invitae). ClinVar contains an entry for this variant (Variation ID: 1910225). Advanced modeling of protein sequence and biophysical properties (such as structural, functional, and spatial information, amino acid conservation, physicochemical variation, residue mobility, and thermodynamic stability) performed at Invitae indicates that this missense variant is not expected to disrupt PGAP1 protein function with a negative predictive value of 80%. In summary, the available evidence is currently insufficient to determine the role of this variant in disease. Therefore, it has been classified as a Variant of Uncertain Significance.

Ambry Genetics
Classification: Uncertain significance for Inborn genetic diseases. Last evaluated: 2021-02-08. Review status: criteria provided, single submitter. Criteria: Ambry Variant Classification Scheme 2023. Collection method: clinical testing. Allele origin: germline.

NM_024989.4(PGAP1):c.2537A>T (p.Lys846Ile)

Gene: PGAP1 (post-GPI attachment to proteins inositol deacylase 1; minus strand). Cytogenetic location: 2q33.1.
Variant type: single nucleotide variant.
Coding change: c.2537A>T on transcript NM_024989.4 (MANE Select); coding-DNA position 2537, A replaced by T.
Protein change: p.Lys846Ile; replaces lysine 846 with isoleucine.
Molecular consequence: missense variant.
Genome position (GRCh38, 1-based): chr2:196,842,814, T>A on the plus strand (A>T on the coding strand, the complement: PGAP1 is on the minus strand). VCF-style: chr2-196842814-T-A. GRCh37 (hg19) VCF-style: chr2-197707538-T-A.
Other names: c.2015A>T, p.Lys672Ile (NM_001321099.2); c.1370A>T, p.Lys457Ile (NM_001321100.2); short protein forms K457I, K672I, K846I.
Identifiers: ClinVar variation 1910225 (VCV001910225.5), dbSNP rs911706840, ClinGen allele CA62801836.